The following is an entry in ClinVar:

ClinVar aggregate classification (germline): Uncertain significance (1 of 4 stars; one submission).

Submission:

Women's Health and Genetics/Laboratory Corporation of America, LabCorp
Classification: Uncertain significance. Last evaluated: 2023-03-28. Review status: criteria provided, single submitter. Criteria: LabCorp Variant Classification Summary - May 2015. Collection method: clinical testing. Allele origin: germline.
Comment: Variant summary: LAMA2 c.1782+2_1782+3insTT alters a conserved nucleotide located close to a canonical splice site and therefore could affect mRNA splicing, leading to a significantly altered protein sequence. One computational tool predicts a significant impact on normal splicing. However, these predictions have yet to be confirmed by functional studies. The variant was absent in 250418 control chromosomes. The available data on variant occurrences in the general population are insufficient to allow any conclusion about variant significance. To our knowledge, no occurrence of c.1782+2_1782+3insTT in individuals affected with Laminin Alpha 2-Related Dystrophy and no experimental evidence demonstrating its impact on protein function have been reported. No clinical diagnostic laboratories have submitted clinical-significance assessments for this variant to ClinVar after 2014. Based on the evidence outlined above, the variant was classified as uncertain significance.

NM_000426.4(LAMA2):c.1782+2_1782+3insTT

Gene: LAMA2 (laminin subunit alpha 2; plus strand). Cytogenetic location: 6q22.33.
Variant type: Insertion.
Coding change: c.1782+2_1782+3insTT on transcript NM_000426.4 (MANE Select); the canonical splice donor site of the intron after coding-DNA position 1782 through 3 bases into the intron after coding-DNA position 1782, TT inserted.
Molecular consequence: splice donor variant.
Genome position: GRCh38 VCF-style: chr6-129192854-G-GTT. GRCh37 (hg19) VCF-style: chr6-129513999-G-GTT.
Other names: c.1782+2_1782+3insTT (NM_001079823.2).
Identifiers: ClinVar variation 2501075 (VCV002501075.1), dbSNP rs1272011145, ClinGen allele CA2580615762.